The following is an entry in ClinVar:

ClinVar aggregate classification (germline): Uncertain significance. Review status: criteria provided, multiple submitters, no conflicts (2 of 4 stars). 4 submissions from 4 submitters: Uncertain significance (4). Last evaluated 2025-11-25.

Conditions:
Familial thoracic aortic aneurysm and aortic dissection (TAAD). Also called: Thoracic aortic aneurysms and dissections. Identifiers: Orphanet 91387, MedGen C4707243, MONDO:0019625.
Aortic aneurysm, familial thoracic 6 (AAT6). Also called: FAMILIAL THORACIC AORTIC ANEURYSM WITH LIVEDO RETICULARIS AND IRIS FLOCCULI. Identifiers: MedGen C2673186, MONDO:0012730, OMIM 611788.
Connective tissue dysplasia.

Allele frequency attached by ClinVar (database versions not stated): gnomAD exomes below 0.00001; TOPMed 0.00002; gnomAD 0.00001.
gnomAD v4.1: 5 of 1,613,854 alleles (0.00031%); highest among the groups gnomAD compares: Non-Finnish European, 0.00042%; no homozygotes.

Submissions (4):

Labcorp Genetics (formerly Invitae), Labcorp
Classification: Uncertain significance for Aortic aneurysm, familial thoracic 6. Last evaluated: 2025-11-25. Review status: criteria provided, single submitter. Criteria: Invitae Variant Classification Sherloc (09022015). Collection method: clinical testing. Allele origin: germline.
Comment: This sequence change replaces glutamic acid, which is acidic and polar, with lysine, which is basic and polar, at codon 59 of the ACTA2 protein (p.Glu59Lys). This variant is not present in population databases (gnomAD no frequency). This variant has not been reported in the literature in individuals affected with ACTA2-related conditions. ClinVar contains an entry for this variant (Variation ID: 629459). Invitae Evidence Modeling of protein sequence and biophysical properties (such as structural, functional, and spatial information, amino acid conservation, physicochemical variation, residue mobility, and thermodynamic stability) indicates that this missense variant is not expected to disrupt ACTA2 protein function with a negative predictive value of 80%. In summary, the available evidence is currently insufficient to determine the role of this variant in disease. Therefore, it has been classified as a Variant of Uncertain Significance.

Centre of Medical Genetics, University of Antwerp
Classification: Uncertain significance for Familial thoracic aortic aneurysm and aortic dissection. Last evaluated: 2024-09-06. Review status: criteria provided, single submitter. Criteria: ACMG Guidelines, 2015. Collection method: clinical testing. Allele origin: germline. Affected: yes.

Color Diagnostics, LLC DBA Color Health
Classification: Uncertain significance for Familial thoracic aortic aneurysm and aortic dissection. Last evaluated: 2024-03-25. Review status: criteria provided, single submitter. Criteria: ACMG Guidelines, 2015. Collection method: clinical testing. Allele origin: germline.
Comment: This missense variant replaces glutamic acid with lysine at codon 59 of the ACTA2 protein. Computational prediction tools indicate that this variant has a deleterious impact on protein structure and function. To our knowledge, functional studies have not been reported for this variant. This variant has not been reported in individuals affected with ACTA2-related disorders in the literature. This variant has not been identified in the general population by the Genome Aggregation Database (gnomAD). The available evidence is insufficient to determine the role of this variant in disease conclusively. Therefore, this variant is classified as a Variant of Uncertain Significance.

Petrovsky National Research Centre of Surgery, The Federal Agency for Scientific Organizations
Classification: Uncertain significance for Connective tissue dysplasia. Last evaluated: 2023-08-09. Review status: criteria provided, single submitter. Criteria: ACMG Guidelines, 2015. Collection method: clinical testing. Allele origin: germline. Affected: yes.
Comment: This variant is absent in The Genome Aggregation Database (gnomAD) v2.1.1 and v.3.1.2 (Date of access with 09-08-2023). This variant has not been reported in any study to our knowledge. Most in silico predictors show pathogenic result of the protein change. In accordance with ACMG(2015) criteria this variant is classified as Variant of Uncertain Significance (VUS) with following criteria selected: PM2, PP2, PP3.

NM_001613.4(ACTA2):c.175G>A (p.Glu59Lys)

Gene: ACTA2 (actin alpha 2, smooth muscle; minus strand). Cytogenetic location: 10q23.31.
Variant type: single nucleotide variant.
Coding change: c.175G>A on transcript NM_001613.4 (MANE Select); coding-DNA position 175, G replaced by A.
Protein change: p.Glu59Lys; replaces glutamic acid 59 with lysine.
Molecular consequence: missense variant.
Genome position (GRCh38, 1-based): chr10:88,947,341, C>T on the plus strand (G>A on the coding strand, the complement: ACTA2 is on the minus strand). VCF-style: chr10-88947341-C-T. GRCh37 (hg19) VCF-style: chr10-90707098-C-T.
Other names: p.Glu59Lys; c.175G>A, p.Glu59Lys (NM_001141945.3, NM_001320855.2, NM_001406462.1 and 4 more transcripts); short protein forms E59K.
Identifiers: ClinVar variation 629459 (VCV000629459.15), dbSNP rs1306745024, ClinGen allele CA377513465.
Genomic context (GRCh38, chr10:88,947,341, plus strand): 5'-TGATGATGCCATGTTCTATCGGGTACTTCAGGGTCAGGATTCCTCTTTTGCTCTGTGCTT[C>T]GTCACCCACGTAGCTGTCTTTTTGTCCCATTCCCACCATCACCCCCTAAAAAGGTTCAAC-3'
Protein context (NP_001604.1, residues 49-69): MGQKDSYVGD[Glu59Lys]AQSKRGILTL